The following is an entry in ClinVar:

ClinVar aggregate classification (germline): Uncertain significance (1 of 4 stars; one submission).

Conditions:
Adams-Oliver syndrome 5 (AOS5). Identifiers: Orphanet 974, MedGen C4014970, MONDO:0014459, OMIM 616028.

Allele frequency attached by ClinVar (database versions not stated): gnomAD exomes below 0.00001; gnomAD 0.00001; TOPMed 0.00001; ExAC 0.00002.
gnomAD v4.1: 4 of 1,583,120 alleles (0.00025%); highest among the groups gnomAD compares: Admixed American, 0.0069%; no homozygotes.

Submission:

Labcorp Genetics (formerly Invitae), Labcorp
Classification: Uncertain significance for Adams-Oliver syndrome 5. Last evaluated: 2025-04-10. Review status: criteria provided, single submitter. Criteria: Invitae Variant Classification Sherloc (09022015). Collection method: clinical testing. Allele origin: germline.
Comment: This sequence change falls in intron 9 of the NOTCH1 gene. It does not directly change the encoded amino acid sequence of the NOTCH1 protein. It affects a nucleotide within the consensus splice site. This variant is present in population databases (rs756829846, gnomAD 0.01%). This variant has not been reported in the literature in individuals affected with NOTCH1-related conditions. ClinVar contains an entry for this variant (Variation ID: 2180267). Variants that disrupt the consensus splice site are a relatively common cause of aberrant splicing (PMID: 17576681, 9536098). Algorithms developed to predict the effect of sequence changes on RNA splicing suggest that this variant is not likely to affect RNA splicing. In summary, the available evidence is currently insufficient to determine the role of this variant in disease. Therefore, it has been classified as a Variant of Uncertain Significance.

Literature cited by the submitters: PubMed 17576681; PubMed 9536098.

NM_017617.5(NOTCH1):c.1555+6G>A

Gene: NOTCH1 (notch receptor 1; minus strand). Cytogenetic location: 9q34.3.
Variant type: single nucleotide variant.
Coding change: c.1555+6G>A on transcript NM_017617.5 (MANE Select); 6 bases into the intron after coding-DNA position 1555, G replaced by A.
Molecular consequence: intron variant.
Genome position (GRCh38, 1-based): chr9:136,517,266, C>T on the plus strand (G>A on the coding strand, the complement: NOTCH1 is on the minus strand). VCF-style: chr9-136517266-C-T. GRCh37 (hg19) VCF-style: chr9-139411718-C-T.
Identifiers: ClinVar variation 2180267 (VCV002180267.4), dbSNP rs756829846, ClinGen allele CA5341748.
Genomic context (GRCh38, chr9:136,517,266, plus strand): 5'-CCCAGGCACCCCTCAGGAGGCCAGGGTGCAGACGACCCGGGGGCAGGGGGCGGGGGTGGC[C>T]CTCACCCGTGGGGCACTCGCACTGGAACTCATTGATCTTGTCCAGGCAGCGGCCATTGTG-3'